The following is an entry in ClinVar:

ClinVar aggregate classification (germline): Uncertain significance (1 of 4 stars; one submission).

Allele frequency attached by ClinVar (database versions not stated): gnomAD exomes below 0.00001.
gnomAD v4.1: 1 of 1,566,608 alleles (0.000064%); highest among the groups gnomAD compares: Non-Finnish European, 0.000088%; no homozygotes.

Submission:

GeneDx
Classification: Uncertain significance. Last evaluated: 2024-03-21. Review status: criteria provided, single submitter. Criteria: GeneDx Variant Classification Process June 2021. Collection method: clinical testing. Allele origin: germline. Affected: yes.
Comment: Not observed at significant frequency in large population cohorts (gnomAD); In silico analysis supports that this missense variant does not alter protein structure/function; Has not been previously published as pathogenic or benign to our knowledge

NM_001303052.2(MYT1L):c.3175A>G (p.Ile1059Val)

Gene: MYT1L (myelin transcription factor 1 like; minus strand). Cytogenetic location: 2p25.3.
Variant type: single nucleotide variant.
Coding change: c.3175A>G on transcript NM_001303052.2 (MANE Select); coding-DNA position 3175, A replaced by G.
Protein change: p.Ile1059Val; replaces isoleucine 1059 with valine.
Molecular consequence: missense variant.
Genome position (GRCh38, 1-based): chr2:1,801,797, T>C on the plus strand (A>G on the coding strand, the complement: MYT1L is on the minus strand). VCF-style: chr2-1801797-T-C. GRCh37 (hg19) VCF-style: chr2-1805569-T-C.
Other names: c.3175A>G, p.Ile1059Val (NM_001329844.2, NM_001329845.1, NM_001329851.3); c.3169A>G, p.Ile1057Val (NM_001329846.3, NM_001329847.2, NM_001329848.1 and 3 more transcripts); short protein forms I1057V, I1059V.
Identifiers: ClinVar variation 3252154 (VCV003252154.1), dbSNP rs2550008380.
Genomic context (GRCh38, chr2:1,801,797, plus strand): 5'-TGGATTCATTTAGCTCCTTGATTTCTTCATCTAACTGTTTGATTTCTTCATCATTTTCTA[T>C]ACCTGTAATAATGAATATTAGTATGTTAAAACTGTTATATACAAAAATATTAGAGTTAGA-3'
Protein context (NP_001289981.1, residues 1049-1069): LTIKQRASNG[Ile1059Val]ENDEEIKQLD